The following is an entry in ClinVar:

ClinVar aggregate classification (germline): Uncertain significance (1 of 4 stars; one submission).

Conditions:
Joubert syndrome. Also called: CEREBELLOPARENCHYMAL DISORDER IV; JOUBERT-BOLTSHAUSER SYNDROME; Familial aplasia of the vermis. Identifiers: Orphanet 475, MedGen C5979921, MONDO:0018772.
Orofaciodigital syndrome I (OFD1). Also called: OFDS I; Papillon-Leage and Psaume Syndrome; Oral-Facial-Digital Syndrome Type I. Identifiers: Orphanet 2750, MedGen C1510460, MONDO:0010702, OMIM 311200.

Submission:

Labcorp Genetics (formerly Invitae), Labcorp
Classification: Uncertain significance for Orofaciodigital syndrome I; Joubert syndrome. Last evaluated: 2024-08-29. Review status: criteria provided, single submitter. Criteria: Invitae Variant Classification Sherloc (09022015). Collection method: clinical testing. Allele origin: germline.
Comment: This sequence change replaces glutamic acid, which is acidic and polar, with lysine, which is basic and polar, at codon 501 of the OFD1 protein (p.Glu501Lys). The frequency data for this variant in the population databases is considered unreliable, as metrics indicate poor data quality at this position in the gnomAD database. This variant has not been reported in the literature in individuals affected with OFD1-related conditions. Invitae Evidence Modeling of protein sequence and biophysical properties (such as structural, functional, and spatial information, amino acid conservation, physicochemical variation, residue mobility, and thermodynamic stability) indicates that this missense variant is not expected to disrupt OFD1 protein function with a negative predictive value of 80%. In summary, the available evidence is currently insufficient to determine the role of this variant in disease. Therefore, it has been classified as a Variant of Uncertain Significance.

NM_003611.3(OFD1):c.1501G>A (p.Glu501Lys)

Gene: OFD1 (OFD1 centriole and centriolar satellite protein; plus strand). Cytogenetic location: Xp22.2.
Variant type: single nucleotide variant.
Coding change: c.1501G>A on transcript NM_003611.3 (MANE Select); coding-DNA position 1501, G replaced by A.
Protein change: p.Glu501Lys; replaces glutamic acid 501 with lysine.
Molecular consequence: missense variant.
Genome position (GRCh38, 1-based): chrX:13,757,749, G>A. VCF-style: chrX-13757749-G-A. GRCh37 (hg19) VCF-style: chrX-13775868-G-A.
Other names: c.1381G>A, p.Glu461Lys (NM_001330209.2); c.1081G>A, p.Glu361Lys (NM_001330210.2); short protein forms E361K, E461K, E501K.
Identifiers: ClinVar variation 3762788 (VCV003762788.2).